The following is an entry in ClinVar:

NM_001164665.2(KIAA1549):c.3319C>G (p.Arg1107Gly)

Gene: KIAA1549 (KIAA1549; minus strand). Cytogenetic location: 7q34.
Variant type: single nucleotide variant.
Coding change: c.3319C>G on transcript NM_001164665.2 (MANE Select); coding-DNA position 3319, C replaced by G.
Protein change: p.Arg1107Gly; replaces arginine 1107 with glycine.
Molecular consequence: missense variant.
Genome position (GRCh38, 1-based): chr7:138,907,060, G>C on the plus strand (C>G on the coding strand, the complement: KIAA1549 is on the minus strand). VCF-style: chr7-138907060-G-C. GRCh37 (hg19) VCF-style: chr7-138591806-G-C.
Other names: c.3319C>G, p.Arg1107Gly (NM_020910.3); short protein forms R1107G.
Identifiers: ClinVar variation 1422613 (VCV001422613.8), dbSNP rs775250591, ClinGen allele CA369385464.

ClinVar aggregate classification (germline): Uncertain significance (1 of 4 stars; one submission).

gnomAD v4.1: 2 of 1,611,546 alleles (0.00012%); highest among the groups gnomAD compares: Admixed American, 0.0034%; no homozygotes.

Submission:

Labcorp Genetics (formerly Invitae), Labcorp
Classification: Uncertain significance. Last evaluated: 2022-03-04. Review status: criteria provided, single submitter. Criteria: Invitae Variant Classification Sherloc (09022015). Collection method: clinical testing. Allele origin: germline.
Comment: In summary, the available evidence is currently insufficient to determine the role of this variant in disease. Therefore, it has been classified as a Variant of Uncertain Significance. Algorithms developed to predict the effect of missense changes on protein structure and function are either unavailable or do not agree on the potential impact of this missense change (SIFT: "Deleterious"; PolyPhen-2: "Probably Damaging"; Align-GVGD: "Class C0"). This variant has not been reported in the literature in individuals affected with KIAA1549-related conditions. This variant is present in population databases (no rsID available, gnomAD 0.003%). This sequence change replaces arginine, which is basic and polar, with glycine, which is neutral and non-polar, at codon 1107 of the KIAA1549 protein (p.Arg1107Gly).